The following is an entry in ClinVar:

ClinVar aggregate classification (germline): Uncertain significance (1 of 4 stars; one submission).

Conditions:
Cardiovascular phenotype. Identifiers: MedGen CN230736.

gnomAD v4.1: 4 of 1,613,992 alleles (0.00025%); highest among the groups gnomAD compares: African/African-American, 0.004%; no homozygotes.

Submission:

Ambry Genetics
Classification: Uncertain significance for Cardiovascular phenotype. Last evaluated: 2026-02-14. Review status: criteria provided, single submitter. Criteria: Ambry Variant Classification Scheme 2023. Collection method: clinical testing. Allele origin: germline.
Comment: The p.I2145V variant (also known as c.6433A>G), located in coding exon 48 of the ABCA1 gene, results from an A to G substitution at nucleotide position 6433. The isoleucine at codon 2145 is replaced by valine, an amino acid with highly similar properties. This amino acid position is conserved. In addition, this alteration is predicted to be tolerated by in silico analysis. Based on the available evidence, the clinical significance of this variant remains unclear.

NM_005502.4(ABCA1):c.6433A>G (p.Ile2145Val)

Genes: NIPSNAP3B (nipsnap homolog 3B; plus strand), ABCA1 (ATP binding cassette subfamily A member 1; minus strand). Cytogenetic location: 9q31.1.
Variant type: single nucleotide variant.
Coding change: c.6433A>G on transcript NM_005502.4 (MANE Select); coding-DNA position 6433, A replaced by G.
Protein change: p.Ile2145Val; replaces isoleucine 2145 with valine.
Molecular consequence: missense variant.
Genome position (GRCh38, 1-based): chr9:104,785,608, T>C on the plus strand (A>G on the coding strand, the complement: ABCA1 is on the minus strand). VCF-style: chr9-104785608-T-C. GRCh37 (hg19) VCF-style: chr9-107547889-T-C.
Other names: short protein forms I2145V.
Identifiers: ClinVar variation 4825560 (VCV004825560.1).